The following is an entry in ClinVar:

NM_001386298.1(CIC):c.4193G>C (p.Gly1398Ala)

Gene: CIC (capicua transcriptional repressor; plus strand). Cytogenetic location: 19q13.2.
Variant type: single nucleotide variant.
Coding change: c.4193G>C on transcript NM_001386298.1 (MANE Select); coding-DNA position 4193, G replaced by C.
Protein change: p.Gly1398Ala; replaces glycine 1398 with alanine.
Molecular consequence: missense variant.
Genome position (GRCh38, 1-based): chr19:42,290,234, G>C. VCF-style: chr19-42290234-G-C. GRCh37 (hg19) VCF-style: chr19-42794386-G-C.
Other names: c.1466G>C, p.Gly489Ala (NM_015125.5, NM_001379484.1, NM_001379485.1); c.4193G>C, p.Gly1398Ala (NM_001304815.2, NM_001379480.1, NM_001379482.1 and 1 more transcripts); short protein forms G1398A, G489A.
Identifiers: ClinVar variation 2649987 (VCV002649987.25), dbSNP rs200166587, ClinGen allele CA9472012.

ClinVar aggregate classification (germline): Likely benign. Review status: criteria provided, single submitter (1 of 4 stars). 2 submissions from 2 submitters: Likely benign (1). 1 of the submissions does not count toward it. Last evaluated 2024-06-01.

Conditions:
CIC-related disorder. Also called: CIC-related condition.

Allele frequency attached by ClinVar (database versions not stated): TOPMed 0.00005; ESP Exome Variant Server 0.00008; gnomAD exomes 0.00010; gnomAD 0.00013; ExAC 0.00019.
gnomAD v4.1: 171 of 1,613,958 alleles (0.011%); highest among the groups gnomAD compares: Non-Finnish European, 0.0071%; 1 homozygote.

Submissions (2):

CeGaT Center for Human Genetics Tuebingen
Classification: Likely benign. Last evaluated: 2024-06-01. Review status: criteria provided, single submitter. Criteria: CeGaT Center For Human Genetics Tuebingen Variant Classification Criteria Version 2. Collection method: clinical testing. Allele origin: germline. Affected: yes. Observed: 3 variant alleles.
Comment: CIC: BP4

PreventionGenetics, part of Exact Sciences
Classification: Likely benign for CIC-related condition. Last evaluated: 2019-06-25. Review status: no assertion criteria provided. Collection method: clinical testing. Allele origin: germline. Not counted in ClinVar's aggregate classification.
Comment: This variant is classified as likely benign based on ACMG/AMP sequence variant interpretation guidelines (Richards et al. 2015 PMID: 25741868, with internal and published modifications).